The following is an entry in ClinVar:

NM_001364905.1(LRBA):c.2023G>A (p.Asp675Asn)

Gene: LRBA (LPS responsive beige-like anchor protein; minus strand). Cytogenetic location: 4q31.3.
Variant type: single nucleotide variant.
Coding change: c.2023G>A on transcript NM_001364905.1 (MANE Select); coding-DNA position 2023, G replaced by A.
Protein change: p.Asp675Asn; replaces aspartic acid 675 with asparagine.
Molecular consequence: missense variant.
Genome position (GRCh38, 1-based): chr4:150,896,438, C>T on the plus strand (G>A on the coding strand, the complement: LRBA is on the minus strand). VCF-style: chr4-150896438-C-T. GRCh37 (hg19) VCF-style: chr4-151817590-C-T.
Other names: p.Asp675Asn; c.2023G>A, p.Asp675Asn (NM_001199282.3, NM_001367550.1, NM_006726.5); short protein forms D675N.
Identifiers: ClinVar variation 1054912 (VCV001054912.9), dbSNP rs552948430, ClinGen allele CA3103384.

ClinVar aggregate classification (germline): Uncertain significance. Review status: criteria provided, multiple submitters, no conflicts (2 of 4 stars). 2 submissions from 2 submitters: Uncertain significance (2). Last evaluated 2025-09-23.

Conditions:
Combined immunodeficiency due to LRBA deficiency. Also called: Common variable immunodeficiency 8, with autoimmunity. Identifiers: Orphanet 445018, MedGen C3553512, MONDO:0013863, OMIM 614700.

Allele frequency attached by ClinVar (database versions not stated): gnomAD exomes below 0.00001 and 0.00001; 1000 Genomes Project 0.00020; ExAC 0.00001; gnomAD 0.00001; 1000 Genomes Project 30x 0.00031.
gnomAD v4.1: 5 of 1,540,564 alleles (0.00032%); highest among the groups gnomAD compares: Admixed American, 0.0018%; no homozygotes.

Submissions (2):

Mayo Clinic Laboratories, Mayo Clinic
Classification: Uncertain significance. Last evaluated: 2025-09-23. Review status: criteria provided, single submitter. Criteria: ACMG Guidelines, 2015. Collection method: clinical testing. Allele origin: germline. Observed: 1 variant allele.

Labcorp Genetics (formerly Invitae), Labcorp
Classification: Uncertain significance for Combined immunodeficiency due to LRBA deficiency. Last evaluated: 2024-12-09. Review status: criteria provided, single submitter. Criteria: Invitae Variant Classification Sherloc (09022015). Collection method: clinical testing. Allele origin: germline.
Comment: This sequence change replaces aspartic acid, which is acidic and polar, with asparagine, which is neutral and polar, at codon 675 of the LRBA protein (p.Asp675Asn). This variant is present in population databases (rs552948430, gnomAD 0.004%). This variant has not been reported in the literature in individuals affected with LRBA-related conditions. ClinVar contains an entry for this variant (Variation ID: 1054912). Invitae Evidence Modeling of protein sequence and biophysical properties (such as structural, functional, and spatial information, amino acid conservation, physicochemical variation, residue mobility, and thermodynamic stability) indicates that this missense variant is expected to disrupt LRBA protein function with a positive predictive value of 80%. Algorithms developed to predict the effect of sequence changes on RNA splicing suggest that this variant may disrupt the consensus splice site. In summary, the available evidence is currently insufficient to determine the role of this variant in disease. Therefore, it has been classified as a Variant of Uncertain Significance.